The following is an entry in ClinVar:

NM_001347721.2(DYRK1A):c.122G>T (p.Ser41Ile)

Gene: DYRK1A (dual specificity tyrosine phosphorylation regulated kinase 1A; plus strand). Cytogenetic location: 21q22.13.
Variant type: single nucleotide variant.
Coding change: c.122G>T on transcript NM_001347721.2 (MANE Select); coding-DNA position 122, G replaced by T.
Protein change: p.Ser41Ile; replaces serine 41 with isoleucine.
Molecular consequence: missense variant.
Genome position (GRCh38, 1-based): chr21:37,472,795, G>T. VCF-style: chr21-37472795-G-T. GRCh37 (hg19) VCF-style: chr21-38845097-G-T.
Other names: c.122G>T, p.Ser41Ile (NM_001347722.2, NM_001396.5, NM_101395.2 and 2 more transcripts); c.35G>T, p.Ser12Ile (NM_001347723.2); short protein forms S12I, S41I.
Identifiers: ClinVar variation 4245915 (VCV004245915.2).

ClinVar aggregate classification (germline): Uncertain significance (1 of 4 stars; one submission).

Conditions:
Inborn genetic diseases. Identifiers: MedGen C0950123, MeSH D030342.

Submission:

Ambry Genetics
Classification: Uncertain significance for Inborn genetic diseases. Last evaluated: 2025-10-17. Review status: criteria provided, single submitter. Criteria: Ambry Variant Classification Scheme 2023. Collection method: clinical testing. Allele origin: germline.
Comment: The c.122G>T (p.S41I) alteration is located in exon 2 (coding exon 2) of the DYRK1A gene. This alteration results from a G to T substitution at nucleotide position 122, causing the serine (S) at amino acid position 41 to be replaced by an isoleucine (I). This variant was not reported in population-based cohorts in the Genome Aggregation Database (gnomAD). This amino acid position is highly conserved in available vertebrate species. This missense alteration is located in a region that has a low rate of benign missense variation (Lek, 2016; Firth, 2009). This alteration is predicted to be deleterious by in silico analysis. Based on insufficient or conflicting evidence, the clinical significance of this alteration remains unclear.